The following is an entry in ClinVar:

ClinVar aggregate classification (germline): Conflicting classifications of pathogenicity. Review status: criteria provided, conflicting classifications (1 of 4 stars). 2 submissions from 2 submitters: Uncertain significance (1); Likely benign (1). Last evaluated 2025-05-16.

Allele frequency attached by ClinVar (database versions not stated): gnomAD 0.00006.
gnomAD v4.1: 47 of 1,211,014 alleles (0.0039%); highest among the groups gnomAD compares: Middle Eastern, 0.023%; no homozygotes.

Submissions (2):

Ambry Genetics
Classification: Uncertain significance. Last evaluated: 2025-05-16. Review status: criteria provided, single submitter. Criteria: Ambry Variant Classification Scheme 2023. Collection method: clinical testing. Allele origin: germline.

CeGaT Center for Human Genetics Tuebingen
Classification: Likely benign. Last evaluated: 2023-03-01. Review status: criteria provided, single submitter. Criteria: CeGaT Center For Human Genetics Tuebingen Variant Classification Criteria Version 2. Collection method: clinical testing. Allele origin: germline. Affected: yes. Observed: 1 variant allele.
Comment: TENM1: PP2, BS2

NM_001163278.2(TENM1):c.4712A>G (p.Tyr1571Cys)

Gene: TENM1 (teneurin transmembrane protein 1; minus strand). Cytogenetic location: Xq25.
Variant type: single nucleotide variant.
Coding change: c.4712A>G on transcript NM_001163278.2 (MANE Select); coding-DNA position 4712, A replaced by G.
Protein change: p.Tyr1571Cys; replaces tyrosine 1571 with cysteine.
Molecular consequence: missense variant.
Genome position (GRCh38, 1-based): chrX:124,420,581, T>C on the plus strand (A>G on the coding strand, the complement: TENM1 is on the minus strand). VCF-style: chrX-124420581-T-C. GRCh37 (hg19) VCF-style: chrX-123554431-T-C.
Other names: c.4709A>G, p.Tyr1570Cys (NM_001163279.1); c.4691A>G, p.Tyr1564Cys (NM_014253.3); c.4712A>G (NM_001163278.1); short protein forms Y1564C, Y1570C, Y1571C.
Identifiers: ClinVar variation 2661362 (VCV002661362.24), dbSNP rs752851745, ClinGen allele CA10509735.